The following is an entry in ClinVar:

NM_017617.5(NOTCH1):c.5167+108C>T

Gene: NOTCH1 (notch receptor 1; minus strand). Cytogenetic location: 9q34.3.
Variant type: single nucleotide variant.
Coding change: c.5167+108C>T on transcript NM_017617.5 (MANE Select); 108 bases into the intron after coding-DNA position 5167, C replaced by T.
Molecular consequence: intron variant.
Genome position (GRCh38, 1-based): chr9:136,503,074, G>A on the plus strand (C>T on the coding strand, the complement: NOTCH1 is on the minus strand). VCF-style: chr9-136503074-G-A. GRCh37 (hg19) VCF-style: chr9-139397526-G-A.
Other names: c.5167+108C>T (LRG_1122t1).
Identifiers: ClinVar variation 133365 (VCV000133365.1), dbSNP rs587777960, ClinGen allele CA156455.

ClinVar aggregate classification (germline): not provided (0 of 4 stars; one submission).

Allele frequency attached by ClinVar (database versions not stated): gnomAD 0.00001 and 0.00003; gnomAD exomes 0.00001; TOPMed below 0.00001.
gnomAD v4.1: 29 of 1,506,882 alleles (0.0019%); highest among the groups gnomAD compares: South Asian, 0.0034%; no homozygotes.

Submission:

ITMI
No classification provided. Condition: AllHighlyPenetrant. Last evaluated: 2013-09-19. Review status: no classification provided. Collection method: reference population. Allele origin: germline.
Comment: Please see associated publication for description of ethnicities

Literature cited by the submitters: PubMed 24728327.